The following is an entry in ClinVar:

NM_138694.4(PKHD1):c.5879_5880del (p.Thr1960fs)

Gene: PKHD1 (PKHD1 ciliary IPT domain containing fibrocystin/polyductin; minus strand). Cytogenetic location: 6p12.2.
Variant type: Microsatellite.
Coding change: c.5879_5880del on transcript NM_138694.4 (MANE Select); coding-DNA positions 5879 to 5880, 2 bases deleted (CA; older notation c.5879_5880delCA).
Protein change: p.Thr1960fs; shifts the reading frame from threonine 1960.
Molecular consequence: frameshift variant.
Genome position (GRCh38, 1-based): chr6:51,959,898-51,959,899, TG deleted on the plus strand (CA on the coding strand, the reverse complement: PKHD1 is on the minus strand); deleting any 2 consecutive bases within chr6:51,959,898-51,959,902 gives the same sequence; the c. name uses the placement nearest the transcript's 3' end. VCF-style (leftmost placement, unchanged base first): chr6-51959897-TTG-T. GRCh37 (hg19) VCF-style: chr6-51824695-TTG-T.
Other names: c.5879_5880delCA (NM_138694.4); c.5879_5880del, p.Thr1960fs (NM_170724.3); short protein forms T1960fs.
Identifiers: ClinVar variation 196990 (VCV000196990.15), dbSNP rs771180444, ClinGen allele CA275229.

ClinVar aggregate classification (germline): Pathogenic/Likely pathogenic. Review status: criteria provided, multiple submitters, no conflicts (2 of 4 stars). 6 submissions from 6 submitters: Pathogenic (2); Likely pathogenic (3). 1 of the submissions does not count toward it. Last evaluated 2026-01-26.

Conditions:
PKHD1-related disorder. Also called: PKHD1-related condition.
Polycystic kidney disease 4 (PKD4). Also called: POLYCYSTIC KIDNEY DISEASE 4 WITH OR WITHOUT POLYCYSTIC LIVER DISEASE; POLYCYSTIC KIDNEY AND HEPATIC DISEASE 1; POLYCYSTIC KIDNEY DISEASE, INFANTILE, TYPE I; PKD3; Autosomal Recessive Polycystic Kidney Disease – PKHD1. Identifiers: MedGen C4540575, MONDO:0033004, OMIM 263200.
Autosomal recessive polycystic kidney disease (ARPKD). Also called: AR polycystic kidney disease. Identifiers: Orphanet 731, Orphanet 8378, MedGen C0085548, MeSH D017044, MONDO:0009889.

Submissions (6):

Natera, Inc.
Classification: Likely pathogenic for Autosomal recessive polycystic kidney disease. Last evaluated: 2026-01-26. Review status: criteria provided, single submitter. Criteria: Natera Variant Classification Schema (03/2026). Collection method: clinical testing. Allele origin: germline.
Comment: The c.5879_5880delCA variant in PKHD1 is a frameshift variant predicted to shift the reading frame beginning at codon 1960 and leads to a stop codon 9 codons downstream. This variant is expected to result in nonsense mediated decay, truncation, or a dysfunctional protein product. This variant is rare in the general population with a frequency below the threshold expected for the associated phenotype(s). Given the available evidence, this variant is classified as Likely Pathogenic.

PreventionGenetics, part of Exact Sciences
Classification: Likely pathogenic for PKHD1-related condition. Last evaluated: 2025-07-14. Review status: criteria provided, single submitter. Criteria: ACMG Guidelines, 2015. Collection method: clinical testing. Allele origin: germline.
Comment: The PKHD1 c.5879_5880delCA variant is predicted to result in a frameshift and premature protein termination (p.Thr1960Lysfs*9). To our knowledge, this variant has not been reported in the literature. This variant is reported in 0.0016% of alleles in individuals of European (Non-Finnish) descent in gnomAD. Frameshift variants in PKHD1 are expected to be pathogenic. This variant is interpreted as likely pathogenic.

Fulgent Genetics
Classification: Pathogenic for Polycystic kidney disease 4. Last evaluated: 2021-08-23. Review status: criteria provided, single submitter. Criteria: ACMG Guidelines, 2015. Collection method: clinical testing. Allele origin: unknown.

Women's Health and Genetics/Laboratory Corporation of America, LabCorp
Classification: Likely pathogenic for Autosomal recessive polycystic kidney disease. Last evaluated: 2018-11-21. Review status: criteria provided, single submitter. Criteria: LabCorp Variant Classification Summary - May 2015. Collection method: clinical testing. Allele origin: germline.
Comment: Variant summary: PKHD1 c.5879_5880delCA (p.Thr1960LysfsX9) results in a premature termination codon, predicted to cause a truncation of the encoded protein or absence of the protein due to nonsense mediated decay, which are commonly known mechanisms for disease. Truncations downstream of this position have been classified as pathogenic by our laboratory (e.g. p.Leu1966fsX4, p.Arg3107X, p.Asp3230fsX34). The variant allele was found at a frequency of 7.2e-06 in 276878 control chromosomes (gnomAD). To our knowledge, no occurrence of c.5879_5880delCA in individuals affected with Polycystic Kidney and Hepatic Disease and no experimental evidence demonstrating its impact on protein function have been reported. One clinical diagnostic laboratory has submitted clinical-significance assessments for this variant to ClinVar after 2014 without evidence for independent evaluation, and classified the variant as pathogenic. Based on the evidence outlined above, the variant was classified as likely pathogenic.

Eurofins Ntd Llc (ga)
Classification: Pathogenic. Last evaluated: 2015-03-17. Review status: criteria provided, single submitter. Criteria: EGL Classification Definitions 2015. Collection method: clinical testing. Allele origin: germline. Observed: 1 variant allele, 1 heterozygote.

Counsyl
Classification: Likely pathogenic for Polycystic kidney disease 4. Last evaluated: 2014-12-30. Review status: no assertion criteria provided. Collection method: clinical testing. Allele origin: unknown. Not counted in ClinVar's aggregate classification.